The following is an entry in ClinVar:

NM_207122.2(EXT2):c.757T>C (p.Phe253Leu)

Gene: EXT2 (exostosin glycosyltransferase 2; plus strand). Cytogenetic location: 11p11.2.
Variant type: single nucleotide variant.
Coding change: c.757T>C on transcript NM_207122.2 (MANE Select); coding-DNA position 757, T replaced by C.
Protein change: p.Phe253Leu; replaces phenylalanine 253 with leucine.
Molecular consequence: missense variant.
Genome position (GRCh38, 1-based): chr11:44,124,802, T>C. VCF-style: chr11-44124802-T-C. GRCh37 (hg19) VCF-style: chr11-44146352-T-C.
Other names: c.856T>C, p.Phe286Leu (NM_000401.3); c.757T>C, p.Phe253Leu (NM_001178083.3, NM_001389628.1, NM_001389630.1); short protein forms F253L, F286L.
Identifiers: ClinVar variation 3057771 (VCV003057771.5), dbSNP rs774329716, ClinGen allele CA5955003.

ClinVar aggregate classification (germline): Uncertain significance. Review status: criteria provided, multiple submitters, no conflicts (2 of 4 stars). 3 submissions from 3 submitters: Uncertain significance (2). 1 of the submissions does not count toward it. Last evaluated 2024-05-02.

Conditions:
EXT2-related disorder. Also called: EXT2-related condition.
Inborn genetic diseases. Identifiers: MedGen C0950123, MeSH D030342.
Exostoses, multiple, type 2 (EXT2). Also called: Hereditary Multiple Osteochondromatosis, Type II; EXOSTOSES, MULTIPLE, TYPE II. Identifiers: Orphanet 321, MedGen C1851413, MONDO:0007586, OMIM 133701.

Allele frequency attached by ClinVar (database versions not stated): gnomAD 0.00001; TOPMed 0.00001; gnomAD exomes 0.00004; ExAC 0.00005.
gnomAD v4.1: 62 of 1,614,016 alleles (0.0038%); highest among the groups gnomAD compares: Non-Finnish European, 0.0045%; no homozygotes.

Submissions (3):

Labcorp Genetics (formerly Invitae), Labcorp
Classification: Uncertain significance for Exostoses, multiple, type 2. Last evaluated: 2024-05-02. Review status: criteria provided, single submitter. Criteria: Invitae Variant Classification Sherloc (09022015). Collection method: clinical testing. Allele origin: germline.
Comment: This sequence change replaces phenylalanine, which is neutral and non-polar, with leucine, which is neutral and non-polar, at codon 253 of the EXT2 protein (p.Phe253Leu). This variant is present in population databases (rs774329716, gnomAD 0.007%). This variant has not been reported in the literature in individuals affected with EXT2-related conditions. Advanced modeling of protein sequence and biophysical properties (such as structural, functional, and spatial information, amino acid conservation, physicochemical variation, residue mobility, and thermodynamic stability) performed at Invitae indicates that this missense variant is not expected to disrupt EXT2 protein function with a negative predictive value of 80%. In summary, the available evidence is currently insufficient to determine the role of this variant in disease. Therefore, it has been classified as a Variant of Uncertain Significance.

Ambry Genetics
Classification: Uncertain significance for Inborn genetic diseases. Last evaluated: 2023-11-09. Review status: criteria provided, single submitter. Criteria: Ambry Variant Classification Scheme 2023. Collection method: clinical testing. Allele origin: germline.

PreventionGenetics, part of Exact Sciences
Classification: Uncertain significance for EXT2-related condition. Last evaluated: 2024-01-31. Review status: no assertion criteria provided. Collection method: clinical testing. Allele origin: germline. Not counted in ClinVar's aggregate classification.
Comment: The EXT2 c.757T>C variant is predicted to result in the amino acid substitution p.Phe253Leu. To our knowledge, this variant has not been reported in the literature. This variant is reported in 0.0062% of alleles in individuals of African descent in gnomAD. At this time, the clinical significance of this variant is uncertain due to the absence of conclusive functional and genetic evidence.